The following is an entry in ClinVar:

NM_017934.7(PHIP):c.4544C>T (p.Pro1515Leu)

Genes: IRAK1BP1 (interleukin 1 receptor associated kinase 1 binding protein 1; plus strand), PHIP (PHIP subunit of CUL4-Ring ligase complex; minus strand). Cytogenetic location: 6q14.1.
Variant type: single nucleotide variant.
Coding change: c.4544C>T on transcript NM_017934.7 (MANE Select); coding-DNA position 4544, C replaced by T.
Protein change: p.Pro1515Leu; replaces proline 1515 with leucine.
Molecular consequence: missense variant.
Genome position (GRCh38, 1-based): chr6:78,946,087, G>A on the plus strand (C>T on the coding strand, the complement: PHIP is on the minus strand). VCF-style: chr6-78946087-G-A. GRCh37 (hg19) VCF-style: chr6-79655804-G-A.
Other names: short protein forms P1515L.
Identifiers: ClinVar variation 3351634 (VCV003351634.2).

ClinVar aggregate classification (germline): Likely benign. Review status: criteria provided, single submitter (1 of 4 stars). 2 submissions from 2 submitters: Likely benign (1). 1 of the submissions does not count toward it. Last evaluated 2025-03-11.

Conditions:
PHIP-related disorder. Also called: PHIP-related condition; PHIP-related disorders.

gnomAD v4.1: 8 of 1,613,004 alleles (0.0005%); highest among the groups gnomAD compares: Admixed American, 0.01%; no homozygotes.

Submissions (2):

Labcorp Genetics (formerly Invitae), Labcorp
Classification: Likely benign. Last evaluated: 2025-03-11. Review status: criteria provided, single submitter. Criteria: Invitae Variant Classification Sherloc (09022015). Collection method: clinical testing. Allele origin: germline.

PreventionGenetics, part of Exact Sciences
Classification: Uncertain significance for PHIP-related condition. Last evaluated: 2024-08-30. Review status: no assertion criteria provided. Collection method: clinical testing. Allele origin: germline. Not counted in ClinVar's aggregate classification.
Comment: The PHIP c.4544C>T variant is predicted to result in the amino acid substitution p.Pro1515Leu. To our knowledge, this variant has not been reported in the literature. This variant is reported in 0.0058% of alleles in individuals of Latino descent in gnomAD. At this time, the clinical significance of this variant is uncertain due to the absence of conclusive functional and genetic evidence.